The following is an entry in ClinVar:

NM_178012.5(TUBB2B):c.797T>C (p.Phe266Ser)

Gene: TUBB2B (tubulin beta 2B class IIb; minus strand). Cytogenetic location: 6p25.2.
Variant type: single nucleotide variant.
Coding change: c.797T>C on transcript NM_178012.5 (MANE Select); coding-DNA position 797, T replaced by C.
Protein change: p.Phe266Ser; replaces phenylalanine 266 with serine.
Molecular consequence: missense variant.
Genome position (GRCh38, 1-based): chr6:3,225,292, A>G on the plus strand (T>C on the coding strand, the complement: TUBB2B is on the minus strand). VCF-style: chr6-3225292-A-G. GRCh37 (hg19) VCF-style: chr6-3225526-A-G.
Other names: short protein forms F266S.
Identifiers: ClinVar variation 3373667 (VCV003373667.1).

ClinVar aggregate classification (germline): Uncertain significance (1 of 4 stars; one submission).

Submission:

GeneDx
Classification: Uncertain significance. Last evaluated: 2024-03-14. Review status: criteria provided, single submitter. Criteria: GeneDx Variant Classification Process June 2021. Collection method: clinical testing. Allele origin: germline. Affected: yes.
Comment: Not observed at significant frequency in large population cohorts (gnomAD); Missense variants in this gene are a common cause of disease and they are underrepresented in the general population; In silico analysis supports that this missense variant has a deleterious effect on protein structure/function; Has not been previously published as pathogenic or benign to our knowledge; This variant is associated with the following publications: (PMID: 27010057)